The following is an entry in ClinVar:

ClinVar aggregate classification (germline): Benign/Likely benign. Review status: criteria provided, multiple submitters, no conflicts (2 of 4 stars). 4 submissions from 4 submitters: Benign (1); Likely benign (3). Last evaluated 2025-08-29.

Allele frequency attached by ClinVar (database versions not stated): gnomAD 0.00001; gnomAD exomes 0.00003; TOPMed 0.00003; ExAC 0.00004; ESP Exome Variant Server 0.00008; 1000 Genomes Project 30x 0.00016; 1000 Genomes Project 0.00020.
gnomAD v4.1: 49 of 1,610,698 alleles (0.003%); highest among the groups gnomAD compares: South Asian, 0.0088%; no homozygotes.

Submissions (4):

Labcorp Genetics (formerly Invitae), Labcorp
Classification: Benign. Last evaluated: 2025-08-29. Review status: criteria provided, single submitter. Criteria: Invitae Variant Classification Sherloc (09022015). Collection method: clinical testing. Allele origin: germline.

CeGaT Center for Human Genetics Tuebingen
Classification: Likely benign. Last evaluated: 2025-03-01. Review status: criteria provided, single submitter. Criteria: CeGaT Center For Human Genetics Tuebingen Variant Classification Criteria Version 2. Collection method: clinical testing. Allele origin: germline. Affected: yes. Observed: 1 variant allele.
Comment: NSD1: BP4, BS2

Laboratory of Genetics, Children's Clinical University Hospital Latvia
Classification: Likely benign. Last evaluated: 2025-02-16. Review status: criteria provided, single submitter. Criteria: ACMG Guidelines, 2015. Collection method: clinical testing. Allele origin: germline. Affected: yes.

Blueprint Genetics
Classification: Likely benign. Last evaluated: 2023-11-02. Review status: criteria provided, single submitter. Criteria: ACMG Guidelines, 2015. Collection method: clinical testing. Allele origin: germline.

NM_022455.5(NSD1):c.1895G>A (p.Arg632Gln)

Gene: NSD1 (nuclear receptor binding SET domain protein 1; plus strand). Cytogenetic location: 5q35.3.
Variant type: single nucleotide variant.
Coding change: c.1895G>A on transcript NM_022455.5 (MANE Select); coding-DNA position 1895, G replaced by A.
Protein change: p.Arg632Gln; replaces arginine 632 with glutamine.
Molecular consequence: missense variant.
Genome position (GRCh38, 1-based): chr5:177,210,294, G>A. VCF-style: chr5-177210294-G-A. GRCh37 (hg19) VCF-style: chr5-176637295-G-A.
Other names: c.1895G>A, p.Arg632Gln (NM_001409303.1, NM_001409301.1, NM_001409302.1); c.1475G>A, p.Arg492Gln (NM_001409304.1); c.1142G>A, p.Arg381Gln (NM_001409305.1); c.1022G>A, p.Arg341Gln (NM_001409306.1, NM_001409307.1, NM_001409308.1 and 3 more transcripts); short protein forms R363Q, R492Q, R341Q, R632Q, R381Q.
Identifiers: ClinVar variation 2080948 (VCV002080948.13), dbSNP rs201702515, ClinGen allele CA3577163.